The following is an entry in ClinVar:

ClinVar aggregate classification (germline): Uncertain significance. Review status: criteria provided, multiple submitters, no conflicts (2 of 4 stars). 2 submissions from 2 submitters: Uncertain significance (2). Last evaluated 2025-08-08.

Conditions:
Emery-Dreifuss muscular dystrophy (EDMD). Also called: Scapuloperoneal syndrome, X-linked (formerly); Humeroperoneal neuromuscular disease, (formerly). Identifiers: Orphanet 261, MedGen C0410189, MONDO:0016830.

Allele frequency attached by ClinVar (database versions not stated): ExAC 0.00008; ESP Exome Variant Server 0.00015; gnomAD 0.00017 and 0.00019; TOPMed 0.00022; 1000 Genomes Project 30x 0.00031; 1000 Genomes Project 0.00040.
gnomAD v4.1: 66 of 1,613,578 alleles (0.0041%); highest among the groups gnomAD compares: African/African-American, 0.048%; no homozygotes.

Submissions (2):

Ambry Genetics
Classification: Uncertain significance. Last evaluated: 2025-08-08. Review status: criteria provided, single submitter. Criteria: Ambry Variant Classification Scheme 2023. Collection method: clinical testing. Allele origin: germline.

Labcorp Genetics (formerly Invitae), Labcorp
Classification: Uncertain significance for Emery-Dreifuss muscular dystrophy. Last evaluated: 2024-08-13. Review status: criteria provided, single submitter. Criteria: Invitae Variant Classification Sherloc (09022015). Collection method: clinical testing. Allele origin: germline.
Comment: This sequence change replaces serine, which is neutral and polar, with leucine, which is neutral and non-polar, at codon 503 of the SUN2 protein (p.Ser503Leu). This variant is present in population databases (rs145490494, gnomAD 0.07%), and has an allele count higher than expected for a pathogenic variant. This variant has not been reported in the literature in individuals affected with SUN2-related conditions. ClinVar contains an entry for this variant (Variation ID: 1415708). An algorithm developed to predict the effect of missense changes on protein structure and function (PolyPhen-2) suggests that this variant is likely to be disruptive. In summary, the available evidence is currently insufficient to determine the role of this variant in disease. Therefore, it has been classified as a Variant of Uncertain Significance.

NM_015374.3(SUN2):c.1508C>T (p.Ser503Leu)

Genes: GTPBP1 (GTP binding protein 1; plus strand), SUN2 (Sad1 and UNC84 domain containing 2; minus strand). Cytogenetic location: 22q13.1.
Variant type: single nucleotide variant.
Coding change: c.1508C>T on transcript NM_015374.3 (MANE Select); coding-DNA position 1508, C replaced by T.
Protein change: p.Ser503Leu; replaces serine 503 with leucine.
Molecular consequence: missense variant.
Genome position (GRCh38, 1-based): chr22:38,739,792, G>A on the plus strand (C>T on the coding strand, the complement: SUN2 is on the minus strand). VCF-style: chr22-38739792-G-A. GRCh37 (hg19) VCF-style: chr22-39135797-G-A.
Other names: c.1508C>T, p.Ser503Leu (NM_001394431.1, NM_001394432.1, NM_001394433.1 and 5 more transcripts); c.932C>T, p.Ser311Leu (NM_001394444.1, NM_001394445.1); c.1508C>T (NM_015374.2); c.1571C>T, p.Ser524Leu (NM_001199579.2, NM_001394428.1); c.1601C>T, p.Ser534Leu (NM_001394427.1); c.1553C>T, p.Ser518Leu (NM_001394429.1, NM_001394430.1); c.1418C>T, p.Ser473Leu (NM_001394438.1); c.1370C>T, p.Ser457Leu (NM_001394439.1, NM_001394440.1, NM_001394441.1); and 2 more; short protein forms S311L, S503L, S524L, S339L, S370L, S518L, S534L, S457L.
Identifiers: ClinVar variation 1415708 (VCV001415708.7), dbSNP rs145490494, ClinGen allele CA10235534.